The following is an entry in ClinVar:

NM_015046.7(SETX):c.7089C>T (p.Phe2363=)

Gene: SETX (senataxin; minus strand). Cytogenetic location: 9q34.13.
Variant type: single nucleotide variant.
Coding change: c.7089C>T on transcript NM_015046.7 (MANE Select); coding-DNA position 7089, C replaced by T.
Protein change: p.Phe2363=; no amino-acid change (phenylalanine 2363 retained).
Molecular consequence: synonymous variant.
Genome position (GRCh38, 1-based): chr9:132,275,267, G>A on the plus strand (C>T on the coding strand, the complement: SETX is on the minus strand). VCF-style: chr9-132275267-G-A. GRCh37 (hg19) VCF-style: chr9-135150654-G-A.
Other names: c.7089C>T, p.Phe2363= (NM_001351527.2, NM_001351528.2).
Identifiers: ClinVar variation 706047 (VCV000706047.13), dbSNP rs141497098, ClinGen allele CA5296523.

ClinVar aggregate classification (germline): Conflicting classifications of pathogenicity. Review status: criteria provided, conflicting classifications (1 of 4 stars). 3 submissions from 2 submitters: Uncertain significance (2); Likely benign (1). Last evaluated 2025-09-21.

Conditions:
Amyotrophic lateral sclerosis type 4 (ALS4). Also called: AMYOTROPHIC LATERAL SCLEROSIS 4, JUVENILE; NEURONOPATHY, DISTAL HEREDITARY MOTOR, WITH PYRAMIDAL FEATURES. Identifiers: Orphanet 357043, MedGen C1865409, MONDO:0011223, OMIM 602433.
Spinocerebellar ataxia, autosomal recessive, with axonal neuropathy 2 (SCAN2). Also called: Ataxia with Oculomotor Apraxia; Ataxia-ocular apraxia-2; Ataxia with Oculomotor Apraxia Type 2; ATAXIA-OCULOMOTOR APRAXIA 2. Identifiers: Orphanet 64753, MedGen C1853761, MONDO:0018996, OMIM 606002.

Allele frequency attached by ClinVar (database versions not stated): ExAC 0.00002; gnomAD 0.00002 and 0.00003; gnomAD exomes 0.00002 and 0.00003; 1000 Genomes Project 0.00020; TOPMed 0.00009; 1000 Genomes Project 30x 0.00016.
gnomAD v4.1: 39 of 1,613,868 alleles (0.0024%); highest among the groups gnomAD compares: Admixed American, 0.0083%; no homozygotes.

Submissions (3):

Labcorp Genetics (formerly Invitae), Labcorp
Classification: Likely benign for Amyotrophic lateral sclerosis type 4; Spinocerebellar ataxia, autosomal recessive, with axonal neuropathy 2. Last evaluated: 2025-09-21. Review status: criteria provided, single submitter. Criteria: Invitae Variant Classification Sherloc (09022015). Collection method: clinical testing. Allele origin: germline.

Illumina Laboratory Services, Illumina
Classification: Uncertain significance for Amyotrophic lateral sclerosis type 4. Last evaluated: 2017-04-27. Review status: criteria provided, single submitter. Criteria: ICSL Variant Classification Criteria 13 December 2019. Collection method: clinical testing. Allele origin: germline.

Illumina Laboratory Services, Illumina
Classification: Uncertain significance for Spinocerebellar ataxia, autosomal recessive, with axonal neuropathy 2. Last evaluated: 2017-04-27. Review status: criteria provided, single submitter. Criteria: ICSL Variant Classification Criteria 13 December 2019. Collection method: clinical testing. Allele origin: germline.
Comment: This variant was observed as part of a predisposition screen in an ostensibly healthy population. A literature search was performed for the gene, cDNA change, and amino acid change (where applicable). Publications were found based on this search. However, the evidence from the literature, in combination with allele frequency data from public databases where available, was not sufficient to rule this variant in or out of causing disease. Therefore, this variant is classified as a variant of unknown significance.

Literature cited by the submitters: PubMed 19696032 (cited by Illumina Laboratory Services, Illumina).